The following is an entry in ClinVar:

NM_018993.4(RIN2):c.1917G>A (p.Leu639=)

Gene: RIN2 (Ras and Rab interactor 2; plus strand). Cytogenetic location: 20p11.23.
Variant type: single nucleotide variant.
Coding change: c.1917G>A on transcript NM_018993.4 (MANE Select); coding-DNA position 1917, G replaced by A.
Protein change: p.Leu639=; no amino-acid change (leucine 639 retained).
Molecular consequence: synonymous variant.
Genome position (GRCh38, 1-based): chr20:19,990,160, G>A. VCF-style: chr20-19990160-G-A. GRCh37 (hg19) VCF-style: chr20-19970804-G-A.
Other names: c.2064G>A, p.Leu688= (NM_001242581.2); c.1299G>A, p.Leu433= (NM_001378238.1).
Identifiers: ClinVar variation 391266 (VCV000391266.47), dbSNP rs368610064, ClinGen allele CA9780169.
Genomic context (GRCh38, chr20:19,990,160, plus strand): 5'-CTCATGGAAGCAACTCAAGGAGAACCTGCAGCTTGTGCGGCAGAGGAATCCGCAGGAGCT[G>A]GGGGTCTTCGCCCCGACCCCTGATTTTGTGGATGTGGAGAAAATCAAAGTCAAGTTCATG-3'
Protein context (NP_061866.1, residues 629-649): QLVRQRNPQE[Leu639=]GVFAPTPDFV

ClinVar aggregate classification (germline): Benign/Likely benign. Review status: criteria provided, multiple submitters, no conflicts (2 of 4 stars). 6 submissions from 6 submitters: Benign (1); Likely benign (5). Last evaluated 2026-08-01.

Allele frequency attached by ClinVar (database versions not stated): 1000 Genomes Project 0.00100; 1000 Genomes Project 30x 0.00156; ESP Exome Variant Server 0.00183; gnomAD exomes 0.00214 and 0.00371; gnomAD 0.00227 and 0.00239; ExAC 0.00250; TOPMed 0.00260.
gnomAD v4.1: 5,771 of 1,603,994 alleles (0.36%); highest among the groups gnomAD compares: Non-Finnish European, 0.44%; 12 homozygotes.

Submissions (6):

CeGaT Center for Human Genetics Tuebingen
Classification: Likely benign. Last evaluated: 2026-08-01. Review status: criteria provided, single submitter. Criteria: CeGaT Center For Human Genetics Tuebingen Variant Classification Criteria Version 2. Collection method: clinical testing. Allele origin: germline. Affected: yes. Observed: 13 variant alleles.
Comment: RIN2: BP4, BP7

Labcorp Genetics (formerly Invitae), Labcorp
Classification: Benign. Last evaluated: 2026-02-01. Review status: criteria provided, single submitter. Criteria: Invitae Variant Classification Sherloc (09022015). Collection method: clinical testing. Allele origin: germline.

Blueprint Genetics
Classification: Likely benign. Last evaluated: 2024-11-18. Review status: criteria provided, single submitter. Criteria: ACMG Guidelines, 2015. Collection method: clinical testing. Allele origin: germline.

GeneDx
Classification: Likely benign. Last evaluated: 2020-09-24. Review status: criteria provided, single submitter. Criteria: GeneDx Variant Classification Process June 2021. Collection method: clinical testing. Allele origin: germline. Affected: yes.

Genetic Services Laboratory, University of Chicago
Classification: Likely benign. Last evaluated: 2016-04-29. Review status: criteria provided, single submitter. Criteria: ACMG Guidelines, 2015. Collection method: clinical testing. Allele origin: germline. Affected: no.

Breakthrough Genomics
Classification: Likely benign. Review status: criteria provided, single submitter. Criteria: ACMG Guidelines, 2015. Collection method: not provided. Allele origin: germline. Inheritance: Autosomal recessive inheritance. Affected: yes.